The following is an entry in ClinVar:

ClinVar aggregate classification (germline): Likely benign (1 of 4 stars; one submission).

gnomAD v4.1: 409 of 1,545,546 alleles (0.026%); highest among the groups gnomAD compares: East Asian, 0.81%; 2 homozygotes.

Submission:

Mayo Clinic Laboratories, Mayo Clinic
Classification: Likely benign. Last evaluated: 2025-11-01. Review status: criteria provided, single submitter. Criteria: ACMG Guidelines, 2015. Collection method: clinical testing. Allele origin: germline. Observed: 1 variant allele.
Comment: BP4, BP7

NM_198241.3(EIF4G1):c.425-10C>G

Gene: EIF4G1 (eukaryotic translation initiation factor 4 gamma 1; plus strand). Cytogenetic location: 3q27.1.
Variant type: single nucleotide variant.
Coding change: c.425-10C>G on transcript NM_198241.3 (MANE Select); 10 bases into the intron before coding-DNA position 425, C replaced by G.
Molecular consequence: intron variant.
Genome position (GRCh38, 1-based): chr3:184,319,679, C>G. VCF-style: chr3-184319679-C-G. GRCh37 (hg19) VCF-style: chr3-184037467-C-G.
Other names: p.?; c.305-10C>G (NM_001291157.2); c.446-10C>G (NM_001194946.2, NM_001194947.2); c.164-10C>G (NM_198244.3); c.-68-10C>G (NM_198242.3); c.425-10C>G (NM_182917.4).
Identifiers: ClinVar variation 4684745 (VCV004684745.1).